The following is an entry in ClinVar:

NM_001367624.2(ZNF469):c.4196A>C (p.His1399Pro)

Gene: ZNF469 (zinc finger protein 469; plus strand). Cytogenetic location: 16q24.2.
Variant type: single nucleotide variant.
Coding change: c.4196A>C on transcript NM_001367624.2 (MANE Select); coding-DNA position 4196, A replaced by C.
Protein change: p.His1399Pro; replaces histidine 1399 with proline.
Molecular consequence: missense variant.
Genome position (GRCh38, 1-based): chr16:88,431,666, A>C. VCF-style: chr16-88431666-A-C. GRCh37 (hg19) VCF-style: chr16-88498074-A-C.
Other names: NM_001127464.1:c.4112A>C; short protein forms H1399P.
Identifiers: ClinVar variation 1948422 (VCV001948422.3), dbSNP rs758146135, ClinGen allele CA8224920.
Genomic context (GRCh38, chr16:88,431,666, plus strand): 5'-CCCACAGTGAGTTGTTCCTCGGACCCAAAGACCTGGCTGGCTGTTTCCTGGAAGAACTGC[A>C]CCCCAAGCCCTCAGCCAGGGATGCCCCGCCGGCCAGCAGCTCCTGCCTTTGCCAGGACGG-3'
Protein context (NP_001354553.1, residues 1389-1409): DLAGCFLEEL[His1399Pro]PKPSARDAPP

ClinVar aggregate classification (germline): Conflicting classifications of pathogenicity. Review status: criteria provided, conflicting classifications (1 of 4 stars). 2 submissions from 2 submitters: Uncertain significance (1); Likely benign (1). Last evaluated 2025-03-05.

Conditions:
Cardiovascular phenotype. Identifiers: MedGen CN230736.

Allele frequency attached by ClinVar (database versions not stated): gnomAD 0.00001; gnomAD exomes 0.00002; TOPMed 0.00002; ExAC 0.00005.
gnomAD v4.1: 26 of 1,549,906 alleles (0.0017%); highest among the groups gnomAD compares: Non-Finnish European, 0.0022%; no homozygotes.

Submissions (2):

Ambry Genetics
Classification: Likely benign for Cardiovascular phenotype. Last evaluated: 2025-03-05. Review status: criteria provided, single submitter. Criteria: Ambry Variant Classification Scheme 2023. Collection method: clinical testing. Allele origin: germline.

Labcorp Genetics (formerly Invitae), Labcorp
Classification: Uncertain significance. Last evaluated: 2021-12-27. Review status: criteria provided, single submitter. Criteria: Invitae Variant Classification Sherloc (09022015). Collection method: clinical testing. Allele origin: germline.
Comment: This sequence change replaces histidine, which is basic and polar, with proline, which is neutral and non-polar, at codon 1371 of the ZNF469 protein (p.His1371Pro). This variant is present in population databases (rs758146135, gnomAD 0.004%). This variant has not been reported in the literature in individuals affected with ZNF469-related conditions. Algorithms developed to predict the effect of missense changes on protein structure and function (SIFT, PolyPhen-2, Align-GVGD) all suggest that this variant is likely to be tolerated. In summary, the available evidence is currently insufficient to determine the role of this variant in disease. Therefore, it has been classified as a Variant of Uncertain Significance.